The following is an entry in ClinVar:

ClinVar aggregate classification (germline): Uncertain significance (0 of 4 stars; one submission).

Conditions:
CLPTM1-related disorder. Also called: CLPTM1-related condition.

gnomAD v4.1: 1 of 1,614,138 alleles (0.000062%); highest among the groups gnomAD compares: Non-Finnish European, 0.000085%; no homozygotes.

Submission:

PreventionGenetics, part of Exact Sciences
Classification: Uncertain significance for CLPTM1-related condition. Last evaluated: 2024-06-02. Review status: no assertion criteria provided. Collection method: clinical testing. Allele origin: germline.
Comment: The CLPTM1 c.884A>G variant is predicted to result in the amino acid substitution p.Asn295Ser. To our knowledge, this variant has not been reported in the literature or in a large population database, indicating this variant is rare. At this time, the clinical significance of this variant is uncertain due to the absence of conclusive functional and genetic evidence.

NM_001294.4(CLPTM1):c.884A>G (p.Asn295Ser)

Gene: CLPTM1 (CLPTM1 regulator of GABA type A receptor forward trafficking; plus strand). Cytogenetic location: 19q13.32.
Variant type: single nucleotide variant.
Coding change: c.884A>G on transcript NM_001294.4 (MANE Select); coding-DNA position 884, A replaced by G.
Protein change: p.Asn295Ser; replaces asparagine 295 with serine.
Molecular consequence: missense variant.
Genome position (GRCh38, 1-based): chr19:44,987,269, A>G. VCF-style: chr19-44987269-A-G. GRCh37 (hg19) VCF-style: chr19-45490527-A-G.
Other names: c.842A>G, p.Asn281Ser (NM_001282175.2); c.578A>G, p.Asn193Ser (NM_001282176.2); short protein forms N193S, N281S, N295S.
Identifiers: ClinVar variation 3347400 (VCV003347400.1).